The following is an entry in ClinVar:

NM_018979.4(WNK1):c.1951+4C>T

Gene: WNK1 (WNK lysine deficient protein kinase 1; plus strand). Cytogenetic location: 12p13.33.
Variant type: single nucleotide variant.
Coding change: c.1951+4C>T on transcript NM_018979.4 (MANE Select); 4 bases into the intron after coding-DNA position 1951, C replaced by T.
Molecular consequence: intron variant.
Genome position (GRCh38, 1-based): chr12:861,347, C>T. VCF-style: chr12-861347-C-T. GRCh37 (hg19) VCF-style: chr12-970513-C-T.
Other names: c.1951+4C>T (NM_213655.5, NM_001184985.2, NM_014823.3).
Identifiers: ClinVar variation 2950662 (VCV002950662.3), dbSNP rs775221569, ClinGen allele CA6382053.

ClinVar aggregate classification (germline): Uncertain significance (1 of 4 stars; one submission).

Conditions:
Neuropathy, hereditary sensory and autonomic, type 2A (HSAN2A). Also called: HSAN IIA; WNK1-Related HSAN2 (HSAN2A); ACROOSTEOLYSIS, GIACCAI TYPE; ACROOSTEOLYSIS, NEUROGENIC; MORVAN DISEASE; NEUROPATHY, CONGENITAL SENSORY. Identifiers: Orphanet 970, MedGen C2752089, MONDO:0024309, OMIM 201300.
Pseudohypoaldosteronism type 2C (PHA2C). Also called: Pseudohypoaldosteronism Type IIC. Identifiers: Orphanet 757, Orphanet 88940, MedGen C1840391, MONDO:0013778, OMIM 614492.

Allele frequency attached by ClinVar (database versions not stated): gnomAD exomes 0.00001; ExAC 0.00003.
gnomAD v4.1: 19 of 1,613,746 alleles (0.0012%); highest among the groups gnomAD compares: East Asian, 0.011%; no homozygotes.

Submission:

Labcorp Genetics (formerly Invitae), Labcorp
Classification: Uncertain significance for Neuropathy, hereditary sensory and autonomic, type 2A; Pseudohypoaldosteronism type 2C. Last evaluated: 2024-04-09. Review status: criteria provided, single submitter. Criteria: Invitae Variant Classification Sherloc (09022015). Collection method: clinical testing. Allele origin: germline.
Comment: This sequence change falls in intron 7 of the WNK1 gene. It does not directly change the encoded amino acid sequence of the WNK1 protein. It affects a nucleotide within the consensus splice site. This variant is present in population databases (rs775221569, gnomAD 0.02%). This variant has not been reported in the literature in individuals affected with WNK1-related conditions. Variants that disrupt the consensus splice site are a relatively common cause of aberrant splicing (PMID: 17576681, 9536098). Algorithms developed to predict the effect of sequence changes on RNA splicing suggest that this variant is not likely to affect RNA splicing. In summary, the available evidence is currently insufficient to determine the role of this variant in disease. Therefore, it has been classified as a Variant of Uncertain Significance.

Literature cited by the submitters: PubMed 17576681; PubMed 9536098.